The following is an entry in ClinVar:

NM_152513.4(MEI1):c.3170-1G>C

Gene: MEI1 (meiotic double-stranded break formation protein 1; plus strand). Cytogenetic location: 22q13.2.
Variant type: single nucleotide variant.
Coding change: c.3170-1G>C on transcript NM_152513.4 (MANE Select); the canonical splice acceptor site of the intron before coding-DNA position 3170, G replaced by C.
Molecular consequence: splice acceptor variant.
Genome position (GRCh38, 1-based): chr22:41,784,607, G>C. VCF-style: chr22-41784607-G-C. GRCh37 (hg19) VCF-style: chr22-42180611-G-C.
Identifiers: ClinVar variation 2137679 (VCV002137679.2), dbSNP rs375815319, ClinGen allele CA10260781.

ClinVar aggregate classification (germline): Likely pathogenic. Review status: criteria provided, multiple submitters, no conflicts (2 of 4 stars). 2 submissions from 2 submitters: Likely pathogenic (2). Last evaluated 2026-02-13.

Conditions:
Hydatidiform mole, recurrent, 3. Identifiers: MedGen C5193093, MONDO:0032746, OMIM 618431.

Allele frequency attached by ClinVar (database versions not stated): gnomAD 0.00001; gnomAD exomes 0.00002; TOPMed 0.00002; ExAC 0.00003; ESP Exome Variant Server 0.00008.
gnomAD v4.1: 27 of 1,611,244 alleles (0.0017%); highest among the groups gnomAD compares: Non-Finnish European, 0.0023%; no homozygotes.

Submissions (2):

OLLIN Analises Genomicas, OLLIN
Classification: Likely pathogenic for Hydatidiform mole, recurrent, 3. Last evaluated: 2026-02-13. Review status: criteria provided, single submitter. Criteria: ACMG Guidelines 2015 PMID 25741868. Collection method: clinical testing. Allele origin: germline. Observed: 1 variant allele.
Comment: PVS1, PM2_P

Labcorp Genetics (formerly Invitae), Labcorp
Classification: Likely pathogenic. Last evaluated: 2022-06-27. Review status: criteria provided, single submitter. Criteria: Invitae Variant Classification Sherloc (09022015). Collection method: clinical testing. Allele origin: germline.
Comment: This sequence change affects an acceptor splice site in intron 25 of the MEI1 gene. It is expected to disrupt RNA splicing. Variants that disrupt the donor or acceptor splice site typically lead to a loss of protein function (PMID: 16199547), and loss-of-function variants in MEI1 are known to be pathogenic (PMID: 30388401). This variant is present in population databases (rs375815319, gnomAD 0.004%). This variant has not been reported in the literature in individuals affected with MEI1-related conditions. Algorithms developed to predict the effect of sequence changes on RNA splicing suggest that this variant may disrupt the consensus splice site. In summary, the currently available evidence indicates that the variant is pathogenic, but additional data are needed to prove that conclusively. Therefore, this variant has been classified as Likely Pathogenic.

Literature cited by the submitters: PubMed 16199547 (cited by Labcorp Genetics (formerly Invitae), Labcorp); PubMed 30388401 (cited by Labcorp Genetics (formerly Invitae), Labcorp).